The following is an entry in ClinVar:

ClinVar aggregate classification (germline): Uncertain significance (1 of 4 stars; one submission).

Submission:

Labcorp Genetics (formerly Invitae), Labcorp
Classification: Uncertain significance. Last evaluated: 2023-01-05. Review status: criteria provided, single submitter. Criteria: Invitae Variant Classification Sherloc (09022015). Collection method: clinical testing. Allele origin: germline.
Comment: This variant has not been reported in the literature in individuals affected with ZBTB18-related conditions. Advanced modeling of protein sequence and biophysical properties (such as structural, functional, and spatial information, amino acid conservation, physicochemical variation, residue mobility, and thermodynamic stability) performed at Invitae indicates that this missense variant is not expected to disrupt ZBTB18 protein function. In summary, the available evidence is currently insufficient to determine the role of this variant in disease. Therefore, it has been classified as a Variant of Uncertain Significance. This sequence change replaces serine, which is neutral and polar, with asparagine, which is neutral and polar, at codon 136 of the ZBTB18 protein (p.Ser136Asn). This variant is not present in population databases (gnomAD no frequency).

NM_205768.3(ZBTB18):c.407G>A (p.Ser136Asn)

Gene: ZBTB18 (zinc finger and BTB domain containing 18; plus strand). Cytogenetic location: 1q44.
Variant type: single nucleotide variant.
Coding change: c.407G>A on transcript NM_205768.3 (MANE Select); coding-DNA position 407, G replaced by A.
Protein change: p.Ser136Asn; replaces serine 136 with asparagine.
Molecular consequence: missense variant.
Genome position (GRCh38, 1-based): chr1:244,054,181, G>A. VCF-style: chr1-244054181-G-A. GRCh37 (hg19) VCF-style: chr1-244217483-G-A.
Other names: c.380G>A, p.Ser127Asn (NM_001278196.2, NM_006352.5); c.407G>A, p.Ser136Asn (NM_001421566.1); short protein forms S127N, S136N.
Identifiers: ClinVar variation 2826241 (VCV002826241.3), dbSNP rs1698406780, ClinGen allele CA345672836.